The following is an entry in ClinVar:

NM_080680.3(COL11A2):c.4378C>T (p.Pro1460Ser)

Gene: COL11A2 (collagen type XI alpha 2 chain; minus strand). Cytogenetic location: 6p21.32.
Variant type: single nucleotide variant.
Coding change: c.4378C>T on transcript NM_080680.3 (MANE Select); coding-DNA position 4378, C replaced by T.
Protein change: p.Pro1460Ser; replaces proline 1460 with serine.
Molecular consequence: missense variant.
Genome position (GRCh38, 1-based): chr6:33,166,527, G>A on the plus strand (C>T on the coding strand, the complement: COL11A2 is on the minus strand). VCF-style: chr6-33166527-G-A. GRCh37 (hg19) VCF-style: chr6-33134304-G-A.
Other names: c.4057C>T, p.Pro1353Ser (NM_080679.3); c.4120C>T, p.Pro1374Ser (NM_080681.3); short protein forms P1353S, P1374S, P1460S.
Identifiers: ClinVar variation 2186513 (VCV002186513.2), dbSNP rs1043741488, ClinGen allele CA363620057.

ClinVar aggregate classification (germline): Uncertain significance (1 of 4 stars; one submission).

gnomAD v4.1: 20 of 1,613,598 alleles (0.0012%); highest among the groups gnomAD compares: Non-Finnish European, 0.0016%; no homozygotes.

Submission:

Labcorp Genetics (formerly Invitae), Labcorp
Classification: Uncertain significance. Last evaluated: 2025-07-23. Review status: criteria provided, single submitter. Criteria: Invitae Variant Classification Sherloc (09022015). Collection method: clinical testing. Allele origin: germline.
Comment: This sequence change replaces proline, which is neutral and non-polar, with serine, which is neutral and polar, at codon 1460 of the COL11A2 protein (p.Pro1460Ser). This variant is present in population databases (no rsID available, gnomAD 0.0009%). This variant has not been reported in the literature in individuals affected with COL11A2-related conditions. ClinVar contains an entry for this variant (Variation ID: 2186513). Invitae Evidence Modeling of protein sequence and biophysical properties (such as structural, functional, and spatial information, amino acid conservation, physicochemical variation, residue mobility, and thermodynamic stability) indicates that this missense variant is not expected to disrupt COL11A2 protein function with a negative predictive value of 95%. In summary, the available evidence is currently insufficient to determine the role of this variant in disease. Therefore, it has been classified as a Variant of Uncertain Significance.